The following is an entry in ClinVar:

NM_001378328.1(CELSR1):c.8089G>T (p.Val2697Phe)

Gene: CELSR1 (cadherin EGF LAG seven-pass G-type receptor 1; minus strand). Cytogenetic location: 22q13.31.
Variant type: single nucleotide variant.
Coding change: c.8089G>T on transcript NM_001378328.1 (MANE Select); coding-DNA position 8089, G replaced by T.
Protein change: p.Val2697Phe; replaces valine 2697 with phenylalanine.
Molecular consequence: missense variant.
Genome position (GRCh38, 1-based): chr22:46,367,109, C>A on the plus strand (G>T on the coding strand, the complement: CELSR1 is on the minus strand). VCF-style: chr22-46367109-C-A. GRCh37 (hg19) VCF-style: chr22-46763006-C-A.
Other names: c.8089G>T, p.Val2697Phe (NM_014246.4); short protein forms V2697F.
Identifiers: ClinVar variation 420666 (VCV000420666.2), dbSNP rs200319625, ClinGen allele CA10292977.

ClinVar aggregate classification (germline): Uncertain significance (1 of 4 stars; one submission).

Allele frequency attached by ClinVar (database versions not stated): gnomAD 0.00013; ESP Exome Variant Server 0.00015; TOPMed 0.00018; 1000 Genomes Project 30x 0.00031; 1000 Genomes Project 0.00040.
gnomAD v4.1: 117 of 1,610,994 alleles (0.0073%); highest among the groups gnomAD compares: Admixed American, 0.13%; 1 homozygote.

Submission:

GeneDx
Classification: Uncertain significance. Last evaluated: 2016-03-12. Review status: criteria provided, single submitter. Criteria: GeneDx Variant Classification (06012015). Collection method: clinical testing. Allele origin: germline. Affected: yes.
Comment: The V2697F variant in the CELSR1 gene has not been reported previously as a pathogenic variant, nor as a benign variant, to our knowledge. The V2697F variant was not observed in the homozygous state or at any significant frequency in approximately 6500 individuals of European and African American ancestry by the NHLBI Exome Sequencing Project. The V2697F variant is a semi-conservative amino acid substitution, which may impact secondary protein structure as these residues differ in some properties. This substitution occurs at a position where amino acids with similar properties to Valine are tolerated across species. In silico analysis predicts this variant is probably damaging to the protein structure/function. We interpret V2697F as a variant of uncertain significance